The following is an entry in ClinVar:

NM_025103.4(IFT74):c.1502T>A (p.Leu501Ter)

Gene: IFT74 (intraflagellar transport 74; plus strand). Cytogenetic location: 9p21.2.
Variant type: single nucleotide variant.
Coding change: c.1502T>A on transcript NM_025103.4 (MANE Select); coding-DNA position 1502, T replaced by A.
Protein change: p.Leu501Ter; replaces leucine 501 with a stop codon.
Molecular consequence: nonsense.
Genome position (GRCh38, 1-based): chr9:27,056,338, T>A. VCF-style: chr9-27056338-T-A. GRCh37 (hg19) VCF-style: chr9-27056336-T-A.
Other names: c.1502T>A, p.Leu501Ter (NM_001099222.3, NM_001099223.3, NM_001349928.2); short protein forms L501*.
Identifiers: ClinVar variation 4978051 (VCV004978051.1).
Genomic context (GRCh38, chr9:27,056,338, plus strand): 5'-ATATTGGCTTACTACATATTTTCTATAACCTGTCACTTCTATTTGGATCTTTCTAGAAAT[T>A]ACATCAGGAGAGAATGATATTATCAACCCACAGAAATGCCTTTAAGAAAATAATGGAGAA-3'

ClinVar aggregate classification (germline): Likely pathogenic (1 of 4 stars; one submission).

Conditions:
IFT74-related disorder. Also called: IFT74-related condition; IFT74-Related Disorders.

Submission:

PreventionGenetics, part of Exact Sciences
Classification: Likely pathogenic for IFT74-related condition. Last evaluated: 2026-07-14. Review status: criteria provided, single submitter. Criteria: ACMG Guidelines, 2015. Collection method: clinical testing. Allele origin: germline.
Comment: The IFT74 c.1502T>A variant is predicted to result in premature protein termination (p.Leu501*). To our knowledge, this variant has not been reported in the literature or in a large population database (gnomAD), indicating this variant is rare. Nonsense variants in IFT74 are expected to be pathogenic. This variant is interpreted as likely pathogenic.